The following is an entry in ClinVar:

ClinVar aggregate classification (germline): Uncertain significance. Review status: criteria provided, single submitter (1 of 4 stars). 2 submissions from 2 submitters: Uncertain significance (1). 1 of the submissions does not count toward it. Last evaluated 2022-10-28.

Conditions:
Idiopathic generalized epilepsy. Also called: EIG; Generalised epilepsy. Identifiers: MedGen C0270850, MONDO:0005579, OMIM 600669.
Hyperaldosteronism, familial, type IV (HALD4). Also called: FH IV; ALDOSTERONISM, PRIMARY, AND HYPERTENSION. Identifiers: Orphanet 642671, MedGen C4310756, MONDO:0014875, OMIM 617027.
CACNA1H-related disorder.

Submissions (2):

Labcorp Genetics (formerly Invitae), Labcorp
Classification: Uncertain significance for Idiopathic generalized epilepsy; Hyperaldosteronism, familial, type IV. Last evaluated: 2022-10-28. Review status: criteria provided, single submitter. Criteria: Invitae Variant Classification Sherloc (09022015). Collection method: clinical testing. Allele origin: germline.
Comment: In summary, the available evidence is currently insufficient to determine the role of this variant in disease. Therefore, it has been classified as a Variant of Uncertain Significance. This variant has not been reported in the literature in individuals affected with CACNA1H-related conditions. This variant is not present in population databases (gnomAD no frequency). This sequence change creates a premature translational stop signal (p.Thr2214Glyfs*14) in the CACNA1H gene. While this is not anticipated to result in nonsense mediated decay, it is expected to disrupt the last 140 amino acid(s) of the CACNA1H protein.

PreventionGenetics, part of Exact Sciences
Classification: Uncertain significance for CACNA1H-related condition. Last evaluated: 2024-01-02. Review status: no assertion criteria provided. Collection method: clinical testing. Allele origin: germline. Not counted in ClinVar's aggregate classification.
Comment: The CACNA1H c.6630_6639dup10 variant is predicted to result in a frameshift and premature protein termination (p.Thr2214Glyfs*14). To our knowledge, this variant has not been reported in the literature or in a large population database, indicating this variant is rare. Loss of function has not been conclusively established as a mechanism for CACNA1H-related disorders. Although we suspect that this variant may be pathogenic, at this time, the clinical significance of this variant is uncertain due to the absence of conclusive functional and genetic evidence.

NM_021098.3(CACNA1H):c.6630_6639dup (p.Thr2214fs)

Gene: CACNA1H (calcium voltage-gated channel subunit alpha1 H; plus strand). Cytogenetic location: 16p13.3.
Variant type: Duplication.
Coding change: c.6630_6639dup on transcript NM_021098.3 (MANE Select); coding-DNA positions 6630 to 6639, 10 bases duplicated (GGGCGGCAGC; older notation c.6630_6639dupGGGCGGCAGC).
Protein change: p.Thr2214fs; shifts the reading frame from threonine 2214.
Molecular consequence: frameshift variant.
Genome position (GRCh38, 1-based): chr16:1,220,562-1,220,571, GGGCGGCAGC duplicated. VCF-style (leftmost placement, unchanged base first): chr16-1220561-A-AGGGCGGCAGC. GRCh37 (hg19) VCF-style: chr16-1270561-A-AGGGCGGCAGC.
Other names: c.6612_6621dup, p.Thr2208fs (NM_001005407.2); c.6630_6639dup10 (NM_021098.2); short protein forms T2208fs, T2214fs.
Identifiers: ClinVar variation 2941086 (VCV002941086.5), dbSNP rs2141410943, ClinGen allele CA2731705362.